The following is an entry in ClinVar:

ClinVar aggregate classification (germline): Uncertain significance. Review status: criteria provided, multiple submitters, no conflicts (2 of 4 stars). 2 submissions from 2 submitters: Uncertain significance (2). Last evaluated 2025-01-09.

Conditions:
Spastic ataxia 2. Also called: Ataxia, spastic, 2, autosomal recessive. Identifiers: Orphanet 397946, MedGen C1969796, MONDO:0012651, OMIM 611302.
Inborn genetic diseases. Identifiers: MedGen C0950123, MeSH D030342.

Allele frequency attached by ClinVar (database versions not stated): gnomAD exomes 0.00002; ExAC 0.00002; ESP Exome Variant Server 0.00008; gnomAD 0.00003.
gnomAD v4.1: 29 of 1,551,808 alleles (0.0019%); highest among the groups gnomAD compares: Admixed American, 0.0039%; no homozygotes.

Submissions (2):

Ambry Genetics
Classification: Uncertain significance for Inborn genetic diseases. Last evaluated: 2025-01-09. Review status: criteria provided, single submitter. Criteria: Ambry Variant Classification Scheme 2023. Collection method: clinical testing. Allele origin: germline.

Labcorp Genetics (formerly Invitae), Labcorp
Classification: Uncertain significance for Spastic ataxia 2. Last evaluated: 2022-09-13. Review status: criteria provided, single submitter. Criteria: Invitae Variant Classification Sherloc (09022015). Collection method: clinical testing. Allele origin: germline.
Comment: ClinVar contains an entry for this variant (Variation ID: 468857). This variant has not been reported in the literature in individuals affected with KIF1C-related conditions. This variant is present in population databases (rs369620316, gnomAD 0.008%). This sequence change replaces proline, which is neutral and non-polar, with leucine, which is neutral and non-polar, at codon 1021 of the KIF1C protein (p.Pro1021Leu). Algorithms developed to predict the effect of missense changes on protein structure and function are either unavailable or do not agree on the potential impact of this missense change (SIFT: "Tolerated"; PolyPhen-2: "Possibly Damaging"; Align-GVGD: "Class C0"). In summary, the available evidence is currently insufficient to determine the role of this variant in disease. Therefore, it has been classified as a Variant of Uncertain Significance.

NM_006612.6(KIF1C):c.3062C>T (p.Pro1021Leu)

Gene: KIF1C (kinesin family member 1C; plus strand). Cytogenetic location: 17p13.2.
Variant type: single nucleotide variant.
Coding change: c.3062C>T on transcript NM_006612.6 (MANE Select); coding-DNA position 3062, C replaced by T.
Protein change: p.Pro1021Leu; replaces proline 1021 with leucine.
Molecular consequence: missense variant.
Genome position (GRCh38, 1-based): chr17:5,023,901, C>T. VCF-style: chr17-5023901-C-T. GRCh37 (hg19) VCF-style: chr17-4927196-C-T.
Other names: short protein forms P1021L.
Identifiers: ClinVar variation 468857 (VCV000468857.9), dbSNP rs369620316, ClinGen allele CA8319471.
Genomic context (GRCh38, chr17:5,023,901, plus strand): 5'-CTCCGCTCCAACCCCCTGAGGAGGTCACTCCCCATCCAGCCACCCCTGCCCGCCGGCCTC[C>T]GAGTCCCCGAAGGTCCCACCATCCCCGCAGGAACTCCCTGGATGGAGGGGGCCGATCCCG-3'
Protein context (NP_006603.2, residues 1011-1031): PHPATPARRP[Pro1021Leu]SPRRSHHPRR